The following is an entry in ClinVar:

NM_000444.6(PHEX):c.2156G>C (p.Gly719Ala)

Genes: PHEX (phosphate regulating endopeptidase X-linked; plus strand), PTCHD1-AS (PTCHD1 and PHEX antisense RNA; minus strand). Cytogenetic location: Xp22.11.
Variant type: single nucleotide variant.
Coding change: c.2156G>C on transcript NM_000444.6 (MANE Select); coding-DNA position 2156, G replaced by C.
Protein change: p.Gly719Ala; replaces glycine 719 with alanine.
Molecular consequence: missense variant.
Genome position (GRCh38, 1-based): chrX:22,247,859, G>C. VCF-style: chrX-22247859-G-C. GRCh37 (hg19) VCF-style: chrX-22265976-G-C.
Other names: c.2079G>C, p.Trp693Cys (NM_001282754.2); short protein forms G719A, W693C.
Identifiers: ClinVar variation 2664984 (VCV002664984.2), dbSNP rs2518713623, ClinGen allele CA412575362.

ClinVar aggregate classification (germline): Likely pathogenic (1 of 4 stars; one submission).

Conditions:
Familial X-linked hypophosphatemic vitamin D refractory rickets (XLHRD). Also called: X-Linked Hypophosphatemia; HYPOPHOSPHATEMIC VITAMIN D-RESISTANT RICKETS; Hypophosphatemic Rickets, X-Linked Dominant; Hypophosphatemia, vitamin D-resistant rickets; Vitamin D-resistant rickets, X-linked. Identifiers: Orphanet 89936, MedGen C0733682, MONDO:0010619, OMIM 307800.

Submission:

Institute of Human Genetics, University of Leipzig Medical Center
Classification: Likely pathogenic for Familial X-linked hypophosphatemic vitamin D refractory rickets. Last evaluated: 2023-11-10. Review status: criteria provided, single submitter. Criteria: ACMG Guidelines, 2015. Collection method: clinical testing. Allele origin: unknown. Inheritance: X-linked dominant inheritance. Affected: yes.
Comment: Criteria applied: PM5_STR,PM2_SUP,PP3